The following is an entry in ClinVar:

ClinVar aggregate classification (germline): Uncertain significance (1 of 4 stars; one submission).

Submission:

GeneDx
Classification: Uncertain significance. Last evaluated: 2026-03-22. Review status: criteria provided, single submitter. Criteria: GeneDx Variant Classification Process June 2021. Collection method: clinical testing. Allele origin: germline.
Comment: Not observed at significant frequency in large population cohorts (gnomAD); In silico analysis suggests that this missense variant does not alter protein structure/function; Has not been previously published as pathogenic or benign to our knowledge

NM_014159.7(SETD2):c.6634C>T (p.His2212Tyr)

Gene: SETD2 (SET domain containing 2, histone lysine methyltransferase; minus strand). Cytogenetic location: 3p21.31.
Variant type: single nucleotide variant.
Coding change: c.6634C>T on transcript NM_014159.7 (MANE Select); coding-DNA position 6634, C replaced by T.
Protein change: p.His2212Tyr; replaces histidine 2212 with tyrosine.
Molecular consequence: missense variant. On other transcripts: non-coding transcript variant (1).
Genome position (GRCh38, 1-based): chr3:47,057,150, G>A on the plus strand (C>T on the coding strand, the complement: SETD2 is on the minus strand). VCF-style: chr3-47057150-G-A. GRCh37 (hg19) VCF-style: chr3-47098640-G-A.
Other names: c.6502C>T, p.His2168Tyr (NM_001349370.3); short protein forms H2168Y, H2212Y.
Identifiers: ClinVar variation 5016742 (VCV005016742.1).